The following is an entry in ClinVar:

ClinVar aggregate classification (germline): Likely pathogenic (1 of 4 stars; one submission).

Conditions:
GNE myopathy (NM). Also called: INCLUSION BODY MYOPATHY, HEREDITARY, AUTOSOMAL RECESSIVE; INCLUSION BODY MYOPATHY 2, AUTOSOMAL RECESSIVE; NONAKA DISTAL MYOPATHY; MYOPATHY, DISTAL, WITH OR WITHOUT RIMMED VACUOLES; IBM 2; Inclusion body myopathy autosomal recessive. Identifiers: Orphanet 602, MedGen C1853926, MONDO:0011603, OMIM 605820.

Submission:

Myriad Genetics, Inc.
Classification: Likely pathogenic for GNE myopathy. Last evaluated: 2020-01-10. Review status: criteria provided, single submitter. Criteria: Myriad Women's Health Autosomal Recessive and X-Linked Classification Criteria (2019). Collection method: clinical testing. Allele origin: unknown.
Comment: NM_001128227.2(GNE):c.904G>T(E302*) is expected to be pathogenic in the context of GNE myopathy. This variant is predicted to lead to an abnormal or absent protein product due to the creation of a premature termination codon in GNE, a gene where loss-of-function variants are known to be pathogenic. Please note: this variant was assessed in the context of healthy population screening.

NM_005476.7(GNE):c.811G>T (p.Glu271Ter)

Gene: GNE (glucosamine (UDP-N-acetyl)-2-epimerase/N-acetylmannosamine kinase; minus strand). Cytogenetic location: 9p13.3.
Variant type: single nucleotide variant.
Coding change: c.811G>T on transcript NM_005476.7 (MANE Select); coding-DNA position 811, G replaced by T.
Protein change: p.Glu271Ter; replaces glutamic acid 271 with a stop codon.
Molecular consequence: nonsense.
Genome position (GRCh38, 1-based): chr9:36,234,091, C>A on the plus strand (G>T on the coding strand, the complement: GNE is on the minus strand). VCF-style: chr9-36234091-C-A. GRCh37 (hg19) VCF-style: chr9-36234088-C-A.
Other names: c.904G>T, p.Glu302Ter (NM_001128227.3); c.811G>T, p.Glu271Ter (NM_001190383.3); c.481G>T, p.Glu161Ter (NM_001190384.3); c.634G>T, p.Glu212Ter (NM_001190388.2, NM_001374798.1); c.658G>T, p.Glu220Ter (NM_001374797.1); short protein forms E161*, E212*, E220*, E271*, E302*.
Identifiers: ClinVar variation 983572 (VCV000983572.3), dbSNP rs1829294478, ClinGen allele CA373430824.